The following is an entry in ClinVar:

NM_201384.3(PLEC):c.3533_3565del (p.Arg1178_Trp1188del)

Gene: PLEC (plectin; minus strand). Cytogenetic location: 8q24.3.
Variant type: Deletion.
Coding change: c.3533_3565del on transcript NM_201384.3 (MANE Select); coding-DNA positions 3533 to 3565, 33 bases deleted.
Protein change: p.Arg1178_Trp1188del.
Molecular consequence: inframe deletion. On other transcripts: inframe indel (1).
Genome position (GRCh38, 1-based): chr8:143,927,601-143,927,633, 33 bases deleted; deleting any 33 consecutive bases within chr8:143,927,601-143,927,643 gives the same sequence; the c. name uses the placement nearest the transcript's 3' end. GRCh37 (hg19): chr8:145,001,779-145,001,811.
Other names: c.3614_3646del, p.Arg1205_Trp1215del (NM_000445.5); c.3604_3636del33, p.Arg1205_Trp1215del (NM_001410941.1); c.3491_3523del, p.Arg1164_Trp1174del (NM_201378.4); c.3467_3499del, p.Arg1156_Trp1166del (NM_201379.3); c.3944_3976del, p.Arg1315_Trp1325del (NM_201380.4); c.3437_3469del, p.Arg1146_Trp1156del (NM_201381.3); c.3533_3565del, p.Arg1178_Trp1188del (NM_201382.4); c.3545_3577del, p.Arg1182_Trp1192del (NM_201383.3).
Identifiers: ClinVar variation 2074744 (VCV002074744.4), dbSNP rs2538292792, ClinGen allele CA2580078759.

ClinVar aggregate classification (germline): Uncertain significance (1 of 4 stars; one submission).

Conditions:
Epidermolysis bullosa simplex 5B, with muscular dystrophy (EBS5B). Also called: EPIDERMOLYSIS BULLOSA SIMPLEX AND LIMB-GIRDLE MUSCULAR DYSTROPHY; Epidermolysis bullosa simplex with muscular dystrophy. Identifiers: Orphanet 257, MedGen C2931072, MONDO:0009181, OMIM 226670.
Epidermolysis bullosa simplex 5C, with pyloric atresia (EBS5C). Also called: Epidermolysis bullosa simplex with pyloric atresia; PLEC-Related Epidermolysis Bullosa with Pyloric Atresia; PLEC1-Related Epidermolysis Bullosa with Pyloric Atresia. Identifiers: Orphanet 158684, MedGen C2677349, MONDO:0012807, OMIM 612138.
Epidermolysis bullosa simplex with nail dystrophy (EBS5D). Identifiers: MedGen C4225309, MONDO:0014661, OMIM 616487.
Autosomal recessive limb-girdle muscular dystrophy type 2Q (LGMDR17). Also called: MUSCULAR DYSTROPHY, LIMB-GIRDLE, AUTOSOMAL RECESSIVE 17. Identifiers: Orphanet 254361, MedGen C3150989, MONDO:0013390, OMIM 613723.
Epidermolysis bullosa simplex, Ogna type (EBS5A). Also called: Pidermolysis bullosa simplex 5A, Ogna type; EPIDERMOLYSIS BULLOSA SIMPLEX 5A, OGNA TYPE. Identifiers: Orphanet 79401, MedGen C0432317, MONDO:0007555, OMIM 131950.

Submission:

Labcorp Genetics (formerly Invitae), Labcorp
Classification: Uncertain significance for Autosomal recessive limb-girdle muscular dystrophy type 2Q; Epidermolysis bullosa simplex, Ogna type; Epidermolysis bullosa simplex with nail dystrophy; Epidermolysis bullosa simplex 5C, with pyloric atresia; Epidermolysis bullosa simplex 5B, with muscular dystrophy. Last evaluated: 2025-10-02. Review status: criteria provided, single submitter. Criteria: Invitae Variant Classification Sherloc (09022015). Collection method: clinical testing. Allele origin: germline.
Comment: This variant, c.3614_3646del, results in the deletion of 11 amino acid(s) of the PLEC protein (p.Arg1205_Trp1215del), but otherwise preserves the integrity of the reading frame. This variant is not present in population databases (gnomAD no frequency). This variant has not been reported in the literature in individuals affected with PLEC-related conditions. ClinVar contains an entry for this variant (Variation ID: 2074744). Experimental studies and prediction algorithms are not available or were not evaluated, and the functional significance of this variant is currently unknown. In summary, the available evidence is currently insufficient to determine the role of this variant in disease. Therefore, it has been classified as a Variant of Uncertain Significance.